The following is an entry in ClinVar:

ClinVar aggregate classification (germline): Uncertain significance (1 of 4 stars; one submission).

Conditions:
Epilepsy, familial adult myoclonic, 5 (EPEO5). Also called: CORTICAL MYOCLONIC TREMOR WITH EPILEPSY, FAMILIAL, 5. Identifiers: Orphanet 86814, MedGen C3809374, MONDO:0014167, OMIM 615400.

Submission:

Labcorp Genetics (formerly Invitae), Labcorp
Classification: Uncertain significance for Epilepsy, familial adult myoclonic, 5. Last evaluated: 2021-12-18. Review status: criteria provided, single submitter. Criteria: Invitae Variant Classification Sherloc (09022015). Collection method: clinical testing. Allele origin: germline.
Comment: In summary, the available evidence is currently insufficient to determine the role of this variant in disease. Therefore, it has been classified as a Variant of Uncertain Significance. Advanced modeling of protein sequence and biophysical properties (such as structural, functional, and spatial information, amino acid conservation, physicochemical variation, residue mobility, and thermodynamic stability) performed at Invitae indicates that this missense variant is not expected to disrupt CNTN2 protein function. This variant has not been reported in the literature in individuals affected with CNTN2-related conditions. This variant is not present in population databases (gnomAD no frequency). This sequence change replaces glycine, which is neutral and non-polar, with arginine, which is basic and polar, at codon 92 of the CNTN2 protein (p.Gly92Arg).

NM_005076.5(CNTN2):c.274G>C (p.Gly92Arg)

Gene: CNTN2 (contactin 2; plus strand). Cytogenetic location: 1q32.1.
Variant type: single nucleotide variant.
Coding change: c.274G>C on transcript NM_005076.5 (MANE Select); coding-DNA position 274, G replaced by C.
Protein change: p.Gly92Arg; replaces glycine 92 with arginine.
Molecular consequence: missense variant. On other transcripts: non-coding transcript variant (1).
Genome position (GRCh38, 1-based): chr1:205,058,239, G>C. VCF-style: chr1-205058239-G-C. GRCh37 (hg19) VCF-style: chr1-205027367-G-C.
Other names: c.274G>C, p.Gly92Arg (NM_001346083.2); short protein forms G92R.
Identifiers: ClinVar variation 2047055 (VCV002047055.4), dbSNP rs2526347468, ClinGen allele CA344404659.
Genomic context (GRCh38, chr1:205,058,239, plus strand): 5'-AGGTGGAAGATGAATGGTACCGAGATGAAGCTGGAGCCAGGTTCCCGTCACCAGCTGGTG[G>C]GGGGCAACCTGGTCATCATGAACCCCACCAAGGCACAGGATGCCGGGGTCTACCAGTGCC-3'
Protein context (NP_005067.1, residues 82-102): LEPGSRHQLV[Gly92Arg]GNLVIMNPTK